The following is an entry in ClinVar:

ClinVar aggregate classification (germline): Likely benign. Review status: criteria provided, multiple submitters, no conflicts (2 of 4 stars). 2 submissions from 2 submitters: Likely benign (2). Last evaluated 2025-05-29.

Conditions:
Bardet-Biedl syndrome (BBS). Identifiers: Orphanet 110, MedGen C0752166, MONDO:0015229.
TTC8-related disorder. Also called: TTC8-related condition.

gnomAD v4.1: 20 of 1,612,748 alleles (0.0012%); highest among the groups gnomAD compares: Non-Finnish European, 0.0017%; no homozygotes.

Submissions (2):

PreventionGenetics, part of Exact Sciences
Classification: Likely benign for TTC8-related condition. Last evaluated: 2025-05-29. Review status: criteria provided, single submitter. Criteria: ACMG Guidelines, 2015. Collection method: clinical testing. Allele origin: germline.
Comment: This variant is classified as likely benign based on ACMG/AMP sequence variant interpretation guidelines (Richards et al. 2015 PMID: 25741868, with internal and published modifications).

Labcorp Genetics (formerly Invitae), Labcorp
Classification: Likely benign for Bardet-Biedl syndrome. Last evaluated: 2024-12-04. Review status: criteria provided, single submitter. Criteria: Invitae Variant Classification Sherloc (09022015). Collection method: clinical testing. Allele origin: germline.

NM_144596.4(TTC8):c.265+8T>C

Gene: TTC8 (tetratricopeptide repeat domain 8; plus strand). Cytogenetic location: 14q31.3.
Variant type: single nucleotide variant.
Coding change: c.265+8T>C on transcript NM_144596.4 (MANE Select); 8 bases into the intron after coding-DNA position 265, T replaced by C.
Molecular consequence: intron variant.
Genome position (GRCh38, 1-based): chr14:88,839,580, T>C. VCF-style: chr14-88839580-T-C. GRCh37 (hg19) VCF-style: chr14-89305924-T-C.
Other names: c.265+8T>C (NM_144596.3); c.-328+8T>C (NM_001288782.1); c.235+8T>C (NM_001288781.1, NM_198309.3, NM_198310.3 and 2 more transcripts); c.-423+8T>C (NM_001288783.1).
Identifiers: ClinVar variation 3711224 (VCV003711224.3).